The following is an entry in ClinVar:

ClinVar aggregate classification (germline): Uncertain significance (1 of 4 stars; one submission).

Conditions:
Baller-Gerold syndrome (BGS). Also called: CRANIOSYNOSTOSIS WITH RADIAL DEFECTS. Identifiers: Orphanet 1225, MedGen C0265308, MONDO:0009039, OMIM 218600.

Submission:

Labcorp Genetics (formerly Invitae), Labcorp
Classification: Uncertain significance for Baller-Gerold syndrome. Last evaluated: 2021-04-15. Review status: criteria provided, single submitter. Criteria: Invitae Variant Classification Sherloc (09022015). Collection method: clinical testing. Allele origin: germline.
Comment: In summary, the available evidence is currently insufficient to determine the role of this variant in disease. Therefore, it has been classified as a Variant of Uncertain Significance. Experimental studies and prediction algorithms are not available or were not evaluated, and the functional significance of this variant is currently unknown. This variant has not been reported in the literature in individuals with RECQL4-related conditions. This variant is not present in population databases (ExAC no frequency). This sequence change replaces glycine with alanine at codon 392 of the RECQL4 protein (p.Gly392Ala). The glycine residue is moderately conserved and there is a small physicochemical difference between glycine and alanine.

NM_004260.4(RECQL4):c.1175G>C (p.Gly392Ala)

Gene: RECQL4 (RecQ like helicase 4; minus strand). Cytogenetic location: 8q24.3.
Variant type: single nucleotide variant.
Coding change: c.1175G>C on transcript NM_004260.4 (MANE Select); coding-DNA position 1175, G replaced by C.
Protein change: p.Gly392Ala; replaces glycine 392 with alanine.
Molecular consequence: missense variant.
Genome position (GRCh38, 1-based): chr8:144,515,847, C>G on the plus strand (G>C on the coding strand, the complement: RECQL4 is on the minus strand). VCF-style: chr8-144515847-C-G. GRCh37 (hg19) VCF-style: chr8-145741231-C-G.
Other names: short protein forms G392A.
Identifiers: ClinVar variation 1345492 (VCV001345492.6), dbSNP rs745923592, ClinGen allele CA372687677.